The following is an entry in ClinVar:

ClinVar aggregate classification (germline): Benign/Likely benign. Review status: criteria provided, multiple submitters, no conflicts (2 of 4 stars). 7 submissions from 7 submitters: Benign (3); Likely benign (3). 1 of the submissions does not count toward it. Last evaluated 2025-04-09.

Conditions:
APOC2-related disorder. Also called: APOC2-related condition.
Familial apolipoprotein C-II deficiency. Also called: APOC2 DEFICIENCY; C-II ANAPOLIPOPROTEINEMIA; HYPERLIPOPROTEINEMIA, TYPE IB. Identifiers: Orphanet 309020, Orphanet 444490, MedGen C1720779, MONDO:0008810, OMIM 207750.
Cardiovascular phenotype. Identifiers: MedGen CN230736.

Allele frequency attached by ClinVar (database versions not stated): gnomAD exomes 0.00058 and 0.00170; ExAC 0.00216; gnomAD 0.00637 and 0.00686; TOPMed 0.00761; 1000 Genomes Project 30x 0.00765; 1000 Genomes Project 0.00779; ESP Exome Variant Server 0.00823.
gnomAD v4.1: 1,845 of 1,614,026 alleles (0.11%); highest among the groups gnomAD compares: African/African-American, 2.2%; 25 homozygotes.

Submissions (7):

Molecular Diagnostic Laboratory for Inherited Cardiovascular Disease, Montreal Heart Institute
Classification: Benign. Last evaluated: 2025-04-09. Review status: criteria provided, single submitter. Criteria: ACMG Guidelines, 2015. Collection method: clinical testing. Allele origin: germline. Affected: no.

GeneDx
Classification: Likely benign. Last evaluated: 2024-03-12. Review status: criteria provided, single submitter. Criteria: GeneDx Variant Classification Process June 2021. Collection method: clinical testing. Allele origin: germline. Affected: yes.
Comment: See Variant Classification Assertion Criteria.

Fulgent Genetics
Classification: Likely benign for Familial apolipoprotein C-II deficiency. Last evaluated: 2022-04-29. Review status: criteria provided, single submitter. Criteria: ACMG Guidelines, 2015. Collection method: clinical testing. Allele origin: unknown.

Ambry Genetics
Classification: Benign for Cardiovascular phenotype. Last evaluated: 2021-05-21. Review status: criteria provided, single submitter. Criteria: Ambry Variant Classification Scheme 2023. Collection method: clinical testing. Allele origin: germline.

Illumina Laboratory Services, Illumina
Classification: Benign for Familial apolipoprotein C-II deficiency. Last evaluated: 2018-01-12. Review status: criteria provided, single submitter. Criteria: ICSL Variant Classification Criteria 13 December 2019. Collection method: clinical testing. Allele origin: germline.
Comment: This variant was observed in the ICSL laboratory as part of a predisposition screen in an ostensibly healthy population. It had not been previously curated by ICSL or reported in the Human Gene Mutation Database (HGMD: prior to June 1st, 2018), and was therefore a candidate for classification through an automated scoring system. Utilizing variant allele frequency, disease prevalence and penetrance estimates, and inheritance mode, an automated score was calculated to assess if this variant is too frequent to cause the disease. Based on the score and internal cut-off values, a variant classified as benign is not then subjected to further curation. The score for this variant resulted in a classification of benign for this disease.

Breakthrough Genomics
Classification: Likely benign. Review status: criteria provided, single submitter. Criteria: ACMG Guidelines, 2015. Collection method: not provided. Allele origin: germline. Inheritance: Autosomal recessive inheritance. Affected: yes.

PreventionGenetics, part of Exact Sciences
Classification: Benign for APOC2-related condition. Last evaluated: 2023-12-07. Review status: no assertion criteria provided. Collection method: clinical testing. Allele origin: germline. Not counted in ClinVar's aggregate classification.
Comment: This variant is classified as benign based on ACMG/AMP sequence variant interpretation guidelines (Richards et al. 2015 PMID: 25741868, with internal and published modifications).

NM_000483.5(APOC2):c.-2C>T

Genes: APOC4-APOC2 (APOC4-APOC2 readthrough (NMD candidate); plus strand), APOC2 (apolipoprotein C2; plus strand). Cytogenetic location: 19q13.32.
Variant type: single nucleotide variant.
Coding change: c.-2C>T on transcript NM_000483.5 (MANE Select); 2 bases upstream of the start codon, C replaced by T.
Molecular consequence: 5 prime UTR variant. On other transcripts: non-coding transcript variant (1).
Genome position (GRCh38, 1-based): chr19:44,948,477, C>T. VCF-style: chr19-44948477-C-T. GRCh37 (hg19) VCF-style: chr19-45451734-C-T.
Identifiers: ClinVar variation 329453 (VCV000329453.15), dbSNP rs5121, ClinGen allele CA9506563.
Genomic context (GRCh38, chr19:44,948,477, plus strand): 5'-ACAGCCGCCTCCAGTCAGCCTGCCACATGACACCCCCTCAATGTTCCAGGTCTCTGGACA[C>T]TATGGGCACACGACTCCTCCCAGCTCTGTTTCTTGTCCTCCTGGTATTGGGATTTGGTGA-3'